The following is an entry in ClinVar:

NM_001142800.2(EYS):c.8128G>T (p.Ala2710Ser)

Gene: EYS (EGF-like photoreceptor maintenance factor; minus strand). Cytogenetic location: 6q12.
Variant type: single nucleotide variant.
Coding change: c.8128G>T on transcript NM_001142800.2 (MANE Select); coding-DNA position 8128, G replaced by T.
Protein change: p.Ala2710Ser; replaces alanine 2710 with serine.
Molecular consequence: missense variant.
Genome position (GRCh38, 1-based): chr6:63,726,624, C>A on the plus strand (G>T on the coding strand, the complement: EYS is on the minus strand). VCF-style: chr6-63726624-C-A. GRCh37 (hg19) VCF-style: chr6-64436517-C-A.
Other names: c.8191G>T, p.Ala2731Ser (NM_001292009.2); short protein forms A2731S, A2710S.
Identifiers: ClinVar variation 853012 (VCV000853012.6), dbSNP rs750011709, ClinGen allele CA3876732.

ClinVar aggregate classification (germline): Uncertain significance. Review status: criteria provided, multiple submitters, no conflicts (2 of 4 stars). 3 submissions from 3 submitters: Uncertain significance (2). 1 of the submissions does not count toward it. Last evaluated 2022-09-12.

Conditions:
Retinitis pigmentosa 25 (RP25). Identifiers: Orphanet 791, MedGen C1864446, MONDO:0011272, OMIM 602772.

Allele frequency attached by ClinVar (database versions not stated): ExAC 0.00005.
gnomAD v4.1: 7 of 1,551,078 alleles (0.00045%); highest among the groups gnomAD compares: Non-Finnish European, 0.00052%; no homozygotes.

Submissions (3):

Labcorp Genetics (formerly Invitae), Labcorp
Classification: Uncertain significance. Last evaluated: 2022-09-12. Review status: criteria provided, single submitter. Criteria: Invitae Variant Classification Sherloc (09022015). Collection method: clinical testing. Allele origin: germline.
Comment: This sequence change replaces alanine, which is neutral and non-polar, with serine, which is neutral and polar, at codon 2710 of the EYS protein (p.Ala2710Ser). This variant is present in population databases (rs750011709, gnomAD 0.004%). This variant has not been reported in the literature in individuals affected with EYS-related conditions. ClinVar contains an entry for this variant (Variation ID: 853012). Algorithms developed to predict the effect of missense changes on protein structure and function output the following: SIFT: "Tolerated"; PolyPhen-2: "Benign"; Align-GVGD: "Class C0". The serine amino acid residue is found in multiple mammalian species, which suggests that this missense change does not adversely affect protein function. In summary, the available evidence is currently insufficient to determine the role of this variant in disease. Therefore, it has been classified as a Variant of Uncertain Significance.

Blueprint Genetics
Classification: Uncertain significance. Last evaluated: 2022-08-27. Review status: criteria provided, single submitter. Criteria: ACMG Guidelines, 2015. Collection method: clinical testing. Allele origin: germline.

Natera, Inc.
Classification: Uncertain significance for Retinitis pigmentosa type 25. Last evaluated: 2020-01-24. Review status: no assertion criteria provided. Collection method: clinical testing. Allele origin: germline. Not counted in ClinVar's aggregate classification.